The following is an entry in ClinVar:

NM_000038.6(APC):c.6272G>A (p.Gly2091Asp)

Gene: APC (APC regulator of Wnt signaling pathway; plus strand). Cytogenetic location: 5q22.2.
Variant type: single nucleotide variant.
Coding change: c.6272G>A on transcript NM_000038.6 (MANE Select); coding-DNA position 6272, G replaced by A.
Protein change: p.Gly2091Asp; replaces glycine 2091 with aspartic acid.
Molecular consequence: missense variant. On other transcripts: non-coding transcript variant (2).
Genome position (GRCh38, 1-based): chr5:112,841,866, G>A. VCF-style: chr5-112841866-G-A. GRCh37 (hg19) VCF-style: chr5-112177563-G-A.
Other names: c.6272G>A, p.Gly2091Asp (NM_001127510.3, NM_001354895.2, NM_001407450.1); c.6218G>A, p.Gly2073Asp (NM_001127511.3); c.6272G>A (NM_000038.5); c.6326G>A, p.Gly2109Asp (NM_001354896.2, NM_001407447.1, NM_001407448.1 and 1 more transcripts); c.6302G>A, p.Gly2101Asp (NM_001354897.2); c.6197G>A, p.Gly2066Asp (NM_001354898.2); c.6188G>A, p.Gly2063Asp (NM_001354899.2); c.6149G>A, p.Gly2050Asp (NM_001354900.2); and 12 more; short protein forms G2073D, G1707D, G1990D, G2032D, G2063D, G2101D, G2109D, G2050D.
Identifiers: ClinVar variation 2800945 (VCV002800945.5), dbSNP rs1766176549, ClinGen allele CA16035066.

ClinVar aggregate classification (germline): Uncertain significance. Review status: criteria provided, multiple submitters, no conflicts (2 of 4 stars). 3 submissions from 3 submitters: Uncertain significance (3). Last evaluated 2024-08-19.

Conditions:
Classic or attenuated familial adenomatous polyposis. Identifiers: MedGen CN372698, MONDO:0021057.
Familial adenomatous polyposis 1 (FAP1). Also called: FAMILIAL ADENOMATOUS POLYPOSIS 1, ATTENUATED; POLYPOSIS, ADENOMATOUS INTESTINAL. Identifiers: MedGen C2713442, MONDO:0021056, OMIM 175100. Disease mechanism: loss of function.
Hereditary cancer-predisposing syndrome. Also called: Hereditary neoplastic syndrome; Neoplastic Syndromes, Hereditary; Hereditary Cancer Syndrome; Tumor predisposition. Identifiers: Orphanet 140162, MedGen C0027672, MeSH D009386, MONDO:0015356.

Submissions (3):

Ambry Genetics
Classification: Uncertain significance for Hereditary cancer-predisposing syndrome. Last evaluated: 2024-08-19. Review status: criteria provided, single submitter. Criteria: Ambry Variant Classification Scheme 2023. Collection method: clinical testing. Allele origin: germline.
Comment: The p.G2091D variant (also known as c.6272G>A), located in coding exon 15 of the APC gene, results from a G to A substitution at nucleotide position 6272. The glycine at codon 2091 is replaced by aspartic acid, an amino acid with similar properties. This amino acid position is not well conserved in available vertebrate species. In addition, in silico predictors for this gene do not accurately predict pathogenicity. Missense alterations in APC are not a common cause of disease (Spier I et al. Genet Med. 2024 Feb;26(2):100992). Based on the available evidence, the clinical significance of this variant remains unclear.

All of Us Research Program, National Institutes of Health
Classification: Uncertain significance for Classic or attenuated familial adenomatous polyposis. Last evaluated: 2024-08-06. Review status: criteria provided, single submitter. Criteria: ACMG Guidelines, 2015. Collection method: clinical testing. Allele origin: germline. Inheritance: Autosomal dominant inheritance. Observed: 1 variant allele, 1 heterozygote.
Comment: This study involves interpretation of variants in research participants for the purpose of population health screening. Participant phenotype was not available at the time of variant classification. Additional details can be found in publication PMID: 35346344, PMCID: PMC8962531

Labcorp Genetics (formerly Invitae), Labcorp
Classification: Uncertain significance for Familial adenomatous polyposis 1. Last evaluated: 2023-10-05. Review status: criteria provided, single submitter. Criteria: Invitae Variant Classification Sherloc (09022015). Collection method: clinical testing. Allele origin: germline.
Comment: This sequence change replaces glycine, which is neutral and non-polar, with aspartic acid, which is acidic and polar, at codon 2091 of the APC protein (p.Gly2091Asp). This variant is not present in population databases (gnomAD no frequency). This variant has not been reported in the literature in individuals affected with APC-related conditions. Advanced modeling of protein sequence and biophysical properties (such as structural, functional, and spatial information, amino acid conservation, physicochemical variation, residue mobility, and thermodynamic stability) performed at Invitae indicates that this missense variant is not expected to disrupt APC protein function. In summary, the available evidence is currently insufficient to determine the role of this variant in disease. Therefore, it has been classified as a Variant of Uncertain Significance.